The following is an entry in ClinVar:

ClinVar aggregate classification (germline): Uncertain significance (1 of 4 stars; one submission).

Conditions:
Wilms tumor 1 (WT1). Also called: Wilms tumor, somatic. Identifiers: Orphanet 654, MedGen CN033288, MONDO:0008679, OMIM 194070.

Submission:

All of Us Research Program, National Institutes of Health
Classification: Uncertain significance for Wilms tumor 1. Last evaluated: 2024-04-16. Review status: criteria provided, single submitter. Criteria: ACMG Guidelines, 2015. Collection method: clinical testing. Allele origin: germline. Inheritance: Autosomal dominant inheritance. Observed: 1 variant allele, 1 heterozygote.
Comment: This missense variant replaces glycine with valine at codon 91 of the WT1 protein. Computational prediction suggests that this variant may not impact protein structure and function (internally defined REVEL score threshold <= 0.5, PMID: 27666373). To our knowledge, functional studies have not been reported for this variant. This variant has not been reported in individuals affected with WT1-related disorders in the literature. This variant has not been identified in the general population by the Genome Aggregation Database (gnomAD). The available evidence is insufficient to determine the role of this variant in disease conclusively. Therefore, this variant is classified as a Variant of Uncertain Significance.

This study involves interpretation of variants in research participants for the purpose of population health screening. Participant phenotype was not available at the time of variant classification. Additional details can be found in publication PMID: 35346344, PMCID: PMC8962531

NM_024426.6(WT1):c.287G>T (p.Gly96Val)

Genes: WT1 (WT1 transcription factor; minus strand), LOC107982234 (WT1/WT1-AS bi-directional promoter region; plus strand). Cytogenetic location: 11p13.
Variant type: single nucleotide variant.
Coding change: c.287G>T on transcript NM_024426.6 (MANE Select); coding-DNA position 287, G replaced by T.
Protein change: p.Gly96Val; replaces glycine 96 with valine.
Molecular consequence: missense variant. On other transcripts: non-coding transcript variant (2).
Genome position (GRCh38, 1-based): chr11:32,435,074, C>A on the plus strand (G>T on the coding strand, the complement: WT1 is on the minus strand). VCF-style: chr11-32435074-C-A. GRCh37 (hg19) VCF-style: chr11-32456620-C-A.
Other names: c.68G>T, p.Gly23Val (NM_001429032.1, NM_001429033.1, NM_001429034.1 and 1 more transcripts); c.287G>T, p.Gly96Val (NM_024424.5, NM_000378.6, NM_001407044.1 and 6 more transcripts); short protein forms G23V, G91V, G96V.
Identifiers: ClinVar variation 3386208 (VCV003386208.1).